The following is an entry in ClinVar:

ClinVar aggregate classification (germline): Uncertain significance (1 of 4 stars; one submission).

Submission:

Dasa
Classification: Uncertain significance. Last evaluated: 2025-09-09. Review status: criteria provided, single submitter. Criteria: DASA Assertion Criteria. Collection method: clinical testing. Allele origin: germline.
Comment: NM_001378414.1(HDAC4):c.3098G>A (p.Trp1033*) is a nonsense variant in HDAC4 predicted to introduce a premature termination codon and is predicted to result in an absent or altered protein product. This variant is absent from population databases. The currently available literature and clinical evidence are not sufficient to establish a definitive association between this variant and the reported condition. Therefore, this variant is classified as a variant of uncertain significance.

NM_001378414.1(HDAC4):c.3098G>A (p.Trp1033Ter)

Gene: HDAC4 (histone deacetylase 4; minus strand). Cytogenetic location: 2q37.3.
Variant type: single nucleotide variant.
Coding change: c.3098G>A on transcript NM_001378414.1 (MANE Select); coding-DNA position 3098, G replaced by A.
Protein change: p.Trp1033Ter; replaces tryptophan 1033 with a stop codon.
Molecular consequence: nonsense.
Genome position (GRCh38, 1-based): chr2:239,053,592, C>T on the plus strand (G>A on the coding strand, the complement: HDAC4 is on the minus strand). VCF-style: chr2-239053592-C-T. GRCh37 (hg19) VCF-style: chr2-239975288-C-T.
Other names: c.3098G>A, p.Trp1033Ter (NM_001378415.1); c.3083G>A, p.Trp1028Ter (NM_001378416.1, NM_001378417.1, NM_006037.4); c.3017G>A, p.Trp1006Ter (NM_001435991.1, NM_001435992.1); c.2939G>A, p.Trp980Ter (NM_001435993.1); short protein forms W1006*, W1028*, W1033*, W980*.
Identifiers: ClinVar variation 4885284 (VCV004885284.2).
Genomic context (GRCh38, chr2:239,053,592, plus strand): 5'-CAAGTCTGAGCCTCGATCAGAGAACGCCCCGCTGTGGAGGTTGTGCGCTGCAGGCAGCGC[C>T]AGTACTTGCCTGGGGTGGTGGGGTGAGGAAAGTCGCTCAGTGACTACAACTTAGCAGGAT-3'